The following is an entry in ClinVar:

ClinVar aggregate classification (germline): Uncertain significance. Review status: criteria provided, multiple submitters, no conflicts (2 of 4 stars). 2 submissions from 2 submitters: Uncertain significance (2). Last evaluated 2025-09-17.

Conditions:
Inborn genetic diseases. Identifiers: MedGen C0950123, MeSH D030342.
Progressive sclerosing poliodystrophy (MTDPS4A). Also called: ALPERS PROGRESSIVE INFANTILE POLIODYSTROPHY; NEURONAL DEGENERATION OF CHILDHOOD WITH LIVER DISEASE, PROGRESSIVE; Alpers Syndrome; ALPERS DIFFUSE DEGENERATION OF CEREBRAL GRAY MATTER WITH HEPATIC CIRRHOSIS; Alpers-Huttenlocher Syndrome; Mitochondrial DNA depletion syndrome 4A (Alpers type). Identifiers: Orphanet 726, MedGen C0205710, MONDO:0008758, OMIM 203700.

gnomAD v4.1: 7 of 1,579,598 alleles (0.00044%); highest among the groups gnomAD compares: African/African-American, 0.0054%; no homozygotes.

Submissions (2):

Labcorp Genetics (formerly Invitae), Labcorp
Classification: Uncertain significance for Progressive sclerosing poliodystrophy. Last evaluated: 2025-09-17. Review status: criteria provided, single submitter. Criteria: Invitae Variant Classification Sherloc (09022015). Collection method: clinical testing. Allele origin: germline.
Comment: This sequence change replaces arginine, which is basic and polar, with tryptophan, which is neutral and slightly polar, at codon 177 of the POLG protein (p.Arg177Trp). The frequency data for this variant in the population databases is considered unreliable, as metrics indicate poor data quality at this position in the gnomAD database. This variant has not been reported in the literature in individuals affected with POLG-related conditions. ClinVar contains an entry for this variant (Variation ID: 3672619). Invitae Evidence Modeling of protein sequence and biophysical properties (such as structural, functional, and spatial information, amino acid conservation, physicochemical variation, residue mobility, and thermodynamic stability) indicates that this missense variant is expected to disrupt POLG protein function with a positive predictive value of 95%. In summary, the available evidence is currently insufficient to determine the role of this variant in disease. Therefore, it has been classified as a Variant of Uncertain Significance.

Ambry Genetics
Classification: Uncertain significance for Inborn genetic diseases. Last evaluated: 2025-02-18. Review status: criteria provided, single submitter. Criteria: Ambry Variant Classification Scheme 2023. Collection method: clinical testing. Allele origin: germline.

NM_002693.3(POLG):c.529C>T (p.Arg177Trp)

Genes: POLG (DNA polymerase gamma, catalytic subunit; minus strand), POLGARF (POLG alternative reading frame; minus strand). Cytogenetic location: 15q26.1.
Variant type: single nucleotide variant.
Coding change: c.529C>T on transcript NM_002693.3 (MANE Select); coding-DNA position 529, C replaced by T.
Protein change: p.Arg177Trp; replaces arginine 177 with tryptophan.
Molecular consequence: missense variant.
Genome position (GRCh38, 1-based): chr15:89,333,226, G>A on the plus strand (C>T on the coding strand, the complement: POLG is on the minus strand). VCF-style: chr15-89333226-G-A. GRCh37 (hg19) VCF-style: chr15-89876457-G-A.
Other names: c.584C>T, p.Pro195Leu (NM_001430120.1); c.529C>T, p.Arg177Trp (NM_001126131.2); short protein forms P195L, R177W.
Identifiers: ClinVar variation 3672619 (VCV003672619.3).
Genomic context (GRCh38, chr15:89,333,226, plus strand): 5'-ACACCAGGGCCCGCTCCTCGGGGATGGCCACGGGTACGGCCTCCCCCTCGGGGCCGTACC[G>A]GGTCCAGCCCTCCGCCCAGGCCCAAGCCGGGGGCTTCGGGGGCAGCTGGGCCTGCAACAG-3'
Protein context (NP_002684.1, residues 167-187): PAWAWAEGWT[Arg177Trp]YGPEGEAVPV